The following is an entry in ClinVar:

NM_024675.4(PALB2):c.2256A>T (p.Gly752=)

Gene: PALB2 (partner and localizer of BRCA2; minus strand). Cytogenetic location: 16p12.2.
Variant type: single nucleotide variant.
Coding change: c.2256A>T on transcript NM_024675.4 (MANE Select); coding-DNA position 2256, A replaced by T.
Protein change: p.Gly752=; no amino-acid change (glycine 752 retained).
Molecular consequence: synonymous variant. On other transcripts: intron variant (1).
Genome position (GRCh38, 1-based): chr16:23,629,898, T>A on the plus strand (A>T on the coding strand, the complement: PALB2 is on the minus strand). VCF-style: chr16-23629898-T-A. GRCh37 (hg19) VCF-style: chr16-23641219-T-A.
Other names: c.2196A>T, p.Gly732= (NM_001407296.1); c.2256A>T, p.Gly752= (NM_001407297.1, NM_001407298.1, NM_001407299.1 and 3 more transcripts); c.1371A>T, p.Gly457= (NM_001407304.1, NM_001407305.1, NM_001407306.1 and 5 more transcripts); c.468A>T, p.Gly156= (NM_001407312.1, NM_001407313.1); c.49-623A>T (NM_001407314.1).
Identifiers: ClinVar variation 3904339 (VCV003904339.1).
Genomic context (GRCh38, chr16:23,629,898, plus strand): 5'-ATCACTGGCAAGACAGACTGAGTCTTTCAAATGAGCAAGTTGGGGTGTGCAGCAAGTTCG[T>A]CCAGCAACTTCTGTAGATGCTTTTTCATAGGAGCCTTGAGGGCCAAAGGCTGGAGTAGTA-3'
Protein context (NP_078951.2, residues 742-762): SYEKASTEVA[Gly752=]RTCCTPQLAH

ClinVar aggregate classification (germline): Benign (1 of 4 stars; one submission).

Conditions:
Familial cancer of breast. Also called: Hereditary breast cancer; hereditary breast carcinoma; BREAST CANCER, FAMILIAL. Identifiers: Orphanet 227535, MedGen C0346153, MONDO:0016419, OMIM 114480. Disease mechanism: loss of function.

Submission:

Myriad Genetics, Inc.
Classification: Benign for Familial cancer of breast. Last evaluated: 2025-01-15. Review status: criteria provided, single submitter. Criteria: Myriad Autosomal Dominant, Autosomal Recessive and X-Linked Classification Criteria (2023). Collection method: clinical testing. Allele origin: unknown.
Comment: This variant is considered benign. This variant is a silent/synonymous amino acid change and it is not expected to impact splicing.